The following is an entry in ClinVar:

NM_003630.3(PEX3):c.*391G>A

Gene: PEX3 (peroxisomal biogenesis factor 3; plus strand). Cytogenetic location: 6q24.2.
Variant type: single nucleotide variant.
Coding change: c.*391G>A on transcript NM_003630.3 (MANE Select); 391 bases downstream of the stop codon, G replaced by A.
Molecular consequence: 3 prime UTR variant.
Genome position (GRCh38, 1-based): chr6:143,489,617, G>A. VCF-style: chr6-143489617-G-A. GRCh37 (hg19) VCF-style: chr6-143810754-G-A.
Identifiers: ClinVar variation 355583 (VCV000355583.5), dbSNP rs140007169, ClinGen allele CA10621543.
Genomic context (GRCh38, chr6:143,489,617, plus strand): 5'-TCAGTGTACTTTACCATATTAATACTGAGGAAAAATCTGTTGGAGACATAGGTCTAGGAT[G>A]TGTGAAGTTTGGAAAAATATGCTATTTAATTATAATGTTCCCTAGACTGCTGTAAACAGA-3'

ClinVar aggregate classification (germline): Likely benign (1 of 4 stars; one submission).

Conditions:
Peroxisome biogenesis disorder 10A (Zellweger). Also called: Peroxisome biogenesis disorder 10A. Identifiers: Orphanet 912, MedGen C3553999, MONDO:0013948, OMIM 614882.

Allele frequency attached by ClinVar (database versions not stated): gnomAD 0.00129 and 0.00127; gnomAD exomes 0.00129; TOPMed 0.00147; 1000 Genomes Project 30x 0.00312; 1000 Genomes Project 0.00319.
gnomAD v4.1: 193 of 152,594 alleles (0.13%); highest among the groups gnomAD compares: African/African-American, 0.41%; 1 homozygote.

Submission:

Illumina Laboratory Services, Illumina
Classification: Likely benign for Peroxisome biogenesis disorder 10A (Zellweger). Last evaluated: 2018-01-12. Review status: criteria provided, single submitter. Criteria: ICSL Variant Classification Criteria 13 December 2019. Collection method: clinical testing. Allele origin: germline.
Comment: This variant was observed in the ICSL laboratory as part of a predisposition screen in an ostensibly healthy population. It had not been previously curated by ICSL or reported in the Human Gene Mutation Database (HGMD: prior to June 1st, 2018), and was therefore a candidate for classification through an automated scoring system. Utilizing variant allele frequency, disease prevalence and penetrance estimates, and inheritance mode, an automated score was calculated to assess if this variant is too frequent to cause the disease. Based on the score and internal cut-off values, a variant classified as likely benign is not then subjected to further curation. The score for this variant resulted in a classification of likely benign for this disease.